The following is an entry in ClinVar:

ClinVar aggregate classification (germline): Uncertain significance (1 of 4 stars; one submission).

gnomAD v4.1: 11 of 1,614,236 alleles (0.00068%); highest among the groups gnomAD compares: Non-Finnish European, 0.00076%; no homozygotes.

Submission:

CeGaT Center for Human Genetics Tuebingen
Classification: Uncertain significance. Last evaluated: 2024-09-01. Review status: criteria provided, single submitter. Criteria: CeGaT Center For Human Genetics Tuebingen Variant Classification Criteria Version 2. Collection method: clinical testing. Allele origin: germline. Affected: yes. Observed: 1 variant allele.
Comment: UGDH: PM2

NM_003359.4(UGDH):c.602A>C (p.His201Pro)

Gene: UGDH (UDP-glucose 6-dehydrogenase; minus strand). Cytogenetic location: 4p14.
Variant type: single nucleotide variant.
Coding change: c.602A>C on transcript NM_003359.4 (MANE Select); coding-DNA position 602, A replaced by C.
Protein change: p.His201Pro; replaces histidine 201 with proline.
Molecular consequence: missense variant.
Genome position (GRCh38, 1-based): chr4:39,510,414, T>G on the plus strand (A>C on the coding strand, the complement: UGDH is on the minus strand). VCF-style: chr4-39510414-T-G. GRCh37 (hg19) VCF-style: chr4-39512034-T-G.
Other names: c.401A>C, p.His134Pro (NM_001184700.2); c.311A>C, p.His104Pro (NM_001184701.2); short protein forms H104P, H134P, H201P.
Identifiers: ClinVar variation 3389420 (VCV003389420.14).